The following is an entry in ClinVar:

ClinVar aggregate classification (germline): Uncertain significance (1 of 4 stars; one submission).

Conditions:
Thrombophilia due to protein C deficiency, autosomal dominant. Also called: PROC DEFICIENCY, AUTOSOMAL DOMINANT; PROTEIN C DEFICIENCY, AUTOSOMAL DOMINANT. Identifiers: Orphanet 745, MedGen C2674321, MONDO:0008316, OMIM 176860. Disease mechanism: loss of function.

Allele frequency attached by ClinVar (database versions not stated): gnomAD 0.00001; TOPMed 0.00002.
gnomAD v4.1: 11 of 1,613,854 alleles (0.00068%); highest among the groups gnomAD compares: African/African-American, 0.004%; no homozygotes.

Submission:

Labcorp Genetics (formerly Invitae), Labcorp
Classification: Uncertain significance for Thrombophilia due to protein C deficiency, autosomal dominant. Last evaluated: 2023-02-16. Review status: criteria provided, single submitter. Criteria: Invitae Variant Classification Sherloc (09022015). Collection method: clinical testing. Allele origin: germline.
Comment: In summary, the available evidence is currently insufficient to determine the role of this variant in disease. Therefore, it has been classified as a Variant of Uncertain Significance. Advanced modeling of protein sequence and biophysical properties (such as structural, functional, and spatial information, amino acid conservation, physicochemical variation, residue mobility, and thermodynamic stability) performed at Invitae indicates that this missense variant is not expected to disrupt PROC protein function. ClinVar contains an entry for this variant (Variation ID: 1023530). This variant is also known as Ser332Gly. This missense change has been observed in individual(s) with borderline low levels of protein C (PMID: 8972002). This variant is present in population databases (no rsID available, gnomAD 0.007%). This sequence change replaces serine, which is neutral and polar, with glycine, which is neutral and non-polar, at codon 374 of the PROC protein (p.Ser374Gly).

Literature cited by the submitters: PubMed 8972002.

NM_000312.4(PROC):c.1120A>G (p.Ser374Gly)

Gene: PROC (protein C, inactivator of coagulation factors Va and VIIIa; plus strand). Cytogenetic location: 2q14.3.
Variant type: single nucleotide variant.
Coding change: c.1120A>G on transcript NM_000312.4 (MANE Select); coding-DNA position 1120, A replaced by G.
Protein change: p.Ser374Gly; replaces serine 374 with glycine.
Molecular consequence: missense variant.
Genome position (GRCh38, 1-based): chr2:127,428,680, A>G. VCF-style: chr2-127428680-A-G. GRCh37 (hg19) VCF-style: chr2-128186256-A-G.
Other names: c.1303A>G, p.Ser435Gly (NM_001375602.1); c.1285A>G, p.Ser429Gly (NM_001375603.1); c.1183A>G, p.Ser395Gly (NM_001375604.1); c.1222A>G, p.Ser408Gly (NM_001375605.1); c.1288A>G, p.Ser430Gly (NM_001375606.1); c.1306A>G, p.Ser436Gly (NM_001375607.1); c.1063A>G, p.Ser355Gly (NM_001375608.1); c.1096A>G, p.Ser366Gly (NM_001375609.1); and 2 more; short protein forms S355G, S366G, S372G, S374G, S395G, S408G, S429G, S430G.
Identifiers: ClinVar variation 1023530 (VCV001023530.8), dbSNP rs757880924, ClinGen allele CA55351197.